The following is an entry in ClinVar:

ClinVar aggregate classification (germline): Uncertain significance (1 of 4 stars; one submission).

Allele frequency attached by ClinVar (database versions not stated): gnomAD 0.00001.
gnomAD v4.1: 1 of 1,209,712 alleles (0.000083%); highest among the groups gnomAD compares: Non-Finnish European, 0.00011%; no homozygotes.

Submission:

GeneDx
Classification: Uncertain significance. Last evaluated: 2022-11-29. Review status: criteria provided, single submitter. Criteria: GeneDx Variant Classification Process June 2021. Collection method: clinical testing. Allele origin: germline. Affected: yes.
Comment: Not observed at significant frequency in large population cohorts (gnomAD); In silico analysis supports that this missense variant does not alter protein structure/function; Has not been previously published as pathogenic or benign to our knowledge

NM_004606.5(TAF1):c.200T>C (p.Leu67Ser)

Gene: TAF1 (TATA-box binding protein associated factor 1; plus strand). Cytogenetic location: Xq13.1.
Variant type: single nucleotide variant.
Coding change: c.200T>C on transcript NM_004606.5 (MANE Select); coding-DNA position 200, T replaced by C.
Protein change: p.Leu67Ser; replaces leucine 67 with serine.
Molecular consequence: missense variant. On other transcripts: non-coding transcript variant (9).
Genome position (GRCh38, 1-based): chrX:71,367,578, T>C. VCF-style: chrX-71367578-T-C. GRCh37 (hg19) VCF-style: chrX-70587428-T-C.
Other names: c.200T>C, p.Leu67Ser (NM_001286074.2, NM_138923.4); short protein forms L67S.
Identifiers: ClinVar variation 2504470 (VCV002504470.1), dbSNP rs2032645404, ClinGen allele CA413504610.